The following is an entry in ClinVar:

NM_006892.4(DNMT3B):c.242G>C (p.Gly81Ala)

Gene: DNMT3B (DNA methyltransferase 3 beta; plus strand). Cytogenetic location: 20q11.21.
Variant type: single nucleotide variant.
Coding change: c.242G>C on transcript NM_006892.4 (MANE Select); coding-DNA position 242, G replaced by C.
Protein change: p.Gly81Ala; replaces glycine 81 with alanine.
Molecular consequence: missense variant. On other transcripts: intron variant (1).
Genome position (GRCh38, 1-based): chr20:32,784,795, G>C. VCF-style: chr20-32784795-G-C. GRCh37 (hg19) VCF-style: chr20-31372601-G-C.
Other names: c.242G>C, p.Gly81Ala (NM_001207055.2, NM_175848.2, NM_175849.2); c.278G>C, p.Gly93Ala (NM_175850.3); c.205-2435G>C (NM_001207056.2); short protein forms G81A, G93A.
Identifiers: ClinVar variation 1496637 (VCV001496637.5), dbSNP rs748547514, ClinGen allele CA9810109.

ClinVar aggregate classification (germline): Uncertain significance (1 of 4 stars; one submission).

Conditions:
Centromeric instability of chromosomes 1,9 and 16 and immunodeficiency (ICF1). Also called: CENTROMERIC INSTABILITY, IMMUNODEFICIENCY SYNDROME; Immunodeficiency-centromeric instability-facial anomalies; IMMUNE DEFICIENCY, VARIABLE, WITH CENTROMERIC INSTABILITY OF CHROMOSOMES 1, 9, AND 16; IMMUNODEFICIENCY SYNDROME, VARIABLE. Identifiers: Orphanet 2268, MedGen C0398788, MONDO:0000133.

Allele frequency attached by ClinVar (database versions not stated): gnomAD 0.00001; ExAC 0.00002; gnomAD exomes 0.00002 and 0.00003.
gnomAD v4.1: 40 of 1,613,960 alleles (0.0025%); highest among the groups gnomAD compares: Non-Finnish European, 0.0026%; no homozygotes.

Submission:

Labcorp Genetics (formerly Invitae), Labcorp
Classification: Uncertain significance for Centromeric instability of chromosomes 1,9 and 16 and immunodeficiency. Last evaluated: 2022-04-23. Review status: criteria provided, single submitter. Criteria: Invitae Variant Classification Sherloc (09022015). Collection method: clinical testing. Allele origin: germline.
Comment: This sequence change replaces glycine, which is neutral and non-polar, with alanine, which is neutral and non-polar, at codon 81 of the DNMT3B protein (p.Gly81Ala). This variant is present in population databases (rs748547514, gnomAD 0.008%). This variant has not been reported in the literature in individuals affected with DNMT3B-related conditions. Algorithms developed to predict the effect of missense changes on protein structure and function (SIFT, PolyPhen-2, Align-GVGD) all suggest that this variant is likely to be tolerated. In summary, the available evidence is currently insufficient to determine the role of this variant in disease. Therefore, it has been classified as a Variant of Uncertain Significance.